The following is an entry in ClinVar:

NM_006363.6(SEC23B):c.1743+168A>G

Gene: SEC23B (SEC23 homolog B, COPII component; plus strand). Cytogenetic location: 20p11.23.
Variant type: single nucleotide variant.
Coding change: c.1743+168A>G on transcript NM_006363.6 (MANE Select); 168 bases into the intron after coding-DNA position 1743, A replaced by G.
Molecular consequence: intron variant.
Genome position (GRCh38, 1-based): chr20:18,546,201, A>G. VCF-style: chr20-18546201-A-G. GRCh37 (hg19) VCF-style: chr20-18526845-A-G.
Other names: c.1743+168A>G (NM_032986.5, NM_001172745.3, NM_032985.6); c.1689+168A>G (NM_001172746.3).
Identifiers: ClinVar variation 707069 (VCV000707069.54), dbSNP rs111951711, ClinGen allele CA312409086.

ClinVar aggregate classification (germline): Conflicting classifications of pathogenicity. Review status: criteria provided, conflicting classifications (1 of 4 stars). 6 submissions from 6 submitters: Uncertain significance (1); Benign (1); Likely benign (4). Last evaluated 2026-06-01.

Conditions:
Congenital dyserythropoietic anemia, type II (CDAN2). Also called: DYSERYTHROPOIETIC ANEMIA, HEMPAS TYPE. Identifiers: Orphanet 98873, MedGen C1306589, MONDO:0009134, OMIM 224100.
Cowden syndrome 7 (CWS7). Identifiers: Orphanet 201, MedGen C4225179, MONDO:0014802, OMIM 616858.

Allele frequency attached by ClinVar (database versions not stated): gnomAD 0.00795 and 0.00771; TOPMed 0.00836; 1000 Genomes Project 30x 0.00609; 1000 Genomes Project 0.00639.
gnomAD v4.1: 1,215 of 152,298 alleles (0.8%); highest among the groups gnomAD compares: Middle Eastern, 1.4%; 8 homozygotes.

Submissions (6):

CeGaT Center for Human Genetics Tuebingen
Classification: Likely benign. Last evaluated: 2026-06-01. Review status: criteria provided, single submitter. Criteria: CeGaT Center For Human Genetics Tuebingen Variant Classification Criteria Version 2. Collection method: clinical testing. Allele origin: germline. Affected: yes. Observed: 88 variant alleles.
Comment: SEC23B: BS2

ARUP Laboratories, Molecular Genetics and Genomics, ARUP Laboratories
Classification: Likely benign. Last evaluated: 2025-07-31. Review status: criteria provided, single submitter. Criteria: ARUP Molecular Germline Variant Investigation Process 2024. Collection method: clinical testing. Allele origin: germline.

Blueprint Genetics
Classification: Likely benign. Last evaluated: 2024-11-27. Review status: criteria provided, single submitter. Criteria: ACMG Guidelines, 2015. Collection method: clinical testing. Allele origin: germline.

Labcorp Genetics (formerly Invitae), Labcorp
Classification: Benign for Congenital dyserythropoietic anemia, type II; Cowden syndrome 7. Last evaluated: 2024-02-24. Review status: criteria provided, single submitter. Criteria: Invitae Variant Classification Sherloc (09022015). Collection method: clinical testing. Allele origin: germline.

Mayo Clinic Laboratories, Mayo Clinic
Classification: Uncertain significance. Last evaluated: 2023-01-30. Review status: criteria provided, single submitter. Criteria: ACMG Guidelines, 2015. Collection method: clinical testing. Allele origin: germline. Observed: 29 variant alleles.

GeneDx
Classification: Likely benign. Last evaluated: 2019-06-25. Review status: criteria provided, single submitter. Criteria: GeneDx Variant Classification Process June 2021. Collection method: clinical testing. Allele origin: germline. Affected: yes.
Comment: This variant is associated with the following publications: (PMID: 25044164)